The following is an entry in ClinVar:

ClinVar aggregate classification (germline): Uncertain significance (1 of 4 stars; one submission).

Conditions:
Familial hemophagocytic lymphohistiocytosis 2 (FHL2). Also called: PRF1-Related Familial Hemophagocytic Lymphohistiocytosis (PRF1-fHLH). Identifiers: Orphanet 540, MedGen C1863727, MONDO:0011337, OMIM 603553.

Allele frequency attached by ClinVar (database versions not stated): gnomAD exomes below 0.00001; ExAC 0.00001.
gnomAD v4.1: 1 of 1,614,224 alleles (0.000062%); highest among the groups gnomAD compares: South Asian, 0.0011%; no homozygotes.

Submission:

Labcorp Genetics (formerly Invitae), Labcorp
Classification: Uncertain significance for Familial hemophagocytic lymphohistiocytosis 2. Last evaluated: 2021-12-24. Review status: criteria provided, single submitter. Criteria: Invitae Variant Classification Sherloc (09022015). Collection method: clinical testing. Allele origin: germline.
Comment: In summary, the available evidence is currently insufficient to determine the role of this variant in disease. Therefore, it has been classified as a Variant of Uncertain Significance. This variant disrupts the p.Asp484 amino acid residue in PRF1. Other variant(s) that disrupt this residue have been observed in individuals with PRF1-related conditions (PMID: 28353193, 31388699), which suggests that this may be a clinically significant amino acid residue. Algorithms developed to predict the effect of missense changes on protein structure and function are either unavailable or do not agree on the potential impact of this missense change (SIFT: "Deleterious"; PolyPhen-2: "Probably Damaging"; Align-GVGD: "Class C0"). This missense change has been observed in individual(s) with hemophagocytic lymphohistiocytosis (PMID: 31388699). This variant is present in population databases (rs775875013, gnomAD 0.003%). This sequence change replaces aspartic acid, which is acidic and polar, with asparagine, which is neutral and polar, at codon 484 of the PRF1 protein (p.Asp484Asn).

Literature cited by the submitters: PubMed 28353193; PubMed 31388699.

NM_001083116.3(PRF1):c.1450G>A (p.Asp484Asn)

Gene: PRF1 (perforin 1; minus strand). Cytogenetic location: 10q22.1.
Variant type: single nucleotide variant.
Coding change: c.1450G>A on transcript NM_001083116.3 (MANE Select); coding-DNA position 1450, G replaced by A.
Protein change: p.Asp484Asn; replaces aspartic acid 484 with asparagine.
Molecular consequence: missense variant.
Genome position (GRCh38, 1-based): chr10:70,598,271, C>T on the plus strand (G>A on the coding strand, the complement: PRF1 is on the minus strand). VCF-style: chr10-70598271-C-T. GRCh37 (hg19) VCF-style: chr10-72358027-C-T.
Other names: c.1450G>A, p.Asp484Asn (NM_005041.6); short protein forms D484N.
Identifiers: ClinVar variation 1917902 (VCV001917902.5), dbSNP rs775875013, ClinGen allele CA5538737.